The following is an entry in ClinVar:

ClinVar aggregate classification (germline): Uncertain significance. Review status: criteria provided, single submitter (1 of 4 stars). 2 submissions from 2 submitters: Uncertain significance (1). 1 of the submissions does not count toward it. Last evaluated 2023-11-27.

Conditions:
Retinal dystrophy. Also called: Inherited retinal dystrophy. Identifiers: Orphanet 71862, MedGen C0854723, MeSH D058499, MONDO:0019118, HP:0000556.

Allele frequency attached by ClinVar (database versions not stated): TOPMed below 0.00001; gnomAD exomes 0.00001.
gnomAD v4.1: 14 of 1,614,136 alleles (0.00087%); highest among the groups gnomAD compares: South Asian, 0.011%; no homozygotes.

Submissions (2):

Labcorp Genetics (formerly Invitae), Labcorp
Classification: Uncertain significance. Last evaluated: 2023-11-27. Review status: criteria provided, single submitter. Criteria: Invitae Variant Classification Sherloc (09022015). Collection method: clinical testing. Allele origin: germline.
Comment: This sequence change replaces arginine, which is basic and polar, with glutamine, which is neutral and polar, at codon 200 of the BEST1 protein (p.Arg200Gln). This variant is present in population databases (rs769188077, gnomAD 0.01%). This variant has not been reported in the literature in individuals affected with BEST1-related conditions. ClinVar contains an entry for this variant (Variation ID: 1925433). Advanced modeling of protein sequence and biophysical properties (such as structural, functional, and spatial information, amino acid conservation, physicochemical variation, residue mobility, and thermodynamic stability) performed at Invitae indicates that this missense variant is expected to disrupt BEST1 protein function with a positive predictive value of 95%. In summary, the available evidence is currently insufficient to determine the role of this variant in disease. Therefore, it has been classified as a Variant of Uncertain Significance.

Institute of Human Genetics, Univ. Regensburg, Univ. Regensburg
Classification: Uncertain significance for Retinal dystrophy. Last evaluated: 2023-01-01. Review status: no assertion criteria provided. Criteria: ACMG Guidelines, 2015. Collection method: clinical testing. Allele origin: germline. Affected: yes. Not counted in ClinVar's aggregate classification.

NM_004183.4(BEST1):c.599G>A (p.Arg200Gln)

Gene: BEST1 (bestrophin 1; plus strand). Cytogenetic location: 11q12.3.
Variant type: single nucleotide variant.
Coding change: c.599G>A on transcript NM_004183.4 (MANE Select); coding-DNA position 599, G replaced by A.
Protein change: p.Arg200Gln; replaces arginine 200 with glutamine.
Molecular consequence: missense variant. On other transcripts: non-coding transcript variant (1).
Genome position (GRCh38, 1-based): chr11:61,956,961, G>A. VCF-style: chr11-61956961-G-A. GRCh37 (hg19) VCF-style: chr11-61724433-G-A.
Other names: c.419G>A, p.Arg140Gln (NM_001139443.3, NM_001300786.2, NM_001300787.2); c.281G>A, p.Arg94Gln (NM_001363591.3); c.599G>A, p.Arg200Gln (NM_001363592.2); c.-577G>A (NM_001363593.3); short protein forms R140Q, R94Q, R200Q.
Identifiers: ClinVar variation 1925433 (VCV001925433.6), dbSNP rs769188077, ClinGen allele CA6040778.